The following is an entry in ClinVar:

ClinVar aggregate classification (germline): Uncertain significance. Review status: criteria provided, multiple submitters, no conflicts (2 of 4 stars). 3 submissions from 3 submitters: Uncertain significance (3). Last evaluated 2025-12-17.

Conditions:
Familial focal epilepsy with variable foci (FPEVF). Identifiers: Orphanet 98820, MedGen C1858477, MONDO:0020310.
Epilepsy, familial focal, with variable foci 1 (FFEVF1). Also called: DEPDC5-Related Epilepsy. Identifiers: MedGen C4551983, MONDO:0024556, OMIM 604364.

Allele frequency attached by ClinVar (database versions not stated): ExAC 0.00001; gnomAD exomes 0.00001.
gnomAD v4.1: 14 of 1,613,088 alleles (0.00087%); highest among the groups gnomAD compares: South Asian, 0.0055%; no homozygotes.

Submissions (3):

Labcorp Genetics (formerly Invitae), Labcorp
Classification: Uncertain significance for Familial focal epilepsy with variable foci. Last evaluated: 2025-12-17. Review status: criteria provided, single submitter. Criteria: Invitae Variant Classification Sherloc (09022015). Collection method: clinical testing. Allele origin: germline.
Comment: This sequence change replaces arginine, which is basic and polar, with cysteine, which is neutral and slightly polar, at codon 845 of the DEPDC5 protein (p.Arg845Cys). This variant is present in population databases (rs780652126, gnomAD 0.007%). This variant has not been reported in the literature in individuals affected with DEPDC5-related conditions. ClinVar contains an entry for this variant (Variation ID: 1357298). Experimental studies and prediction algorithms are not available or were not evaluated, and the functional significance of this variant is currently unknown. In summary, the available evidence is currently insufficient to determine the role of this variant in disease. Therefore, it has been classified as a Variant of Uncertain Significance.

Clinical Genomics Laboratory, Washington University in St. Louis
Classification: Uncertain significance for Epilepsy, familial focal, with variable foci 1. Last evaluated: 2023-10-28. Review status: criteria provided, single submitter. Criteria: ACMG Guidelines, 2015. Collection method: clinical testing. Allele origin: germline.
Comment: The DEPDC5 c.2533C>T (p.Arg845Cys) variant, to our knowledge, has not been reported in the medical literature. This variant is only observed on 2/248,326 alleles in the general population (gnomAD v.2.1.1), indicating it is not a common variant. Computational predictors suggest that the variant does not impact DEPDC5 function. This variant has been reported in the ClinVar database as a variant of uncertain significance by one submitter. Due to limited information, and based on ACMG/AMP guidelines for variant interpretation (Richards S et al., PMID: 25741868), the clinical significance of this variant is uncertain at this time.

Neuberg Centre For Genomic Medicine, NCGM
Classification: Uncertain significance for Epilepsy, familial focal, with variable foci 1. Review status: criteria provided, single submitter. Criteria: ACMG Guidelines, 2015. Collection method: clinical testing. Allele origin: germline. Inheritance: Autosomal dominant inheritance. Affected: yes.
Comment: The missense variant in c.2533C>T (p.Arg845Cys) in DEPDC5 gene has not been reported previously as a pathogenic variant nor as a benign variant, to our knowledge. The p.Arg845Cys variant is reported with the allele frequency of 0.001072% in gnomAD and is novel (not in any individuals) in 1000 Genomes. The amino acid Arg at position 845 is changed to a Cys changing protein sequence and it might alter its composition and physico-chemical properties. The amino acid change p.Arg845Cys in DEPDC5 is predicted as conserved by GERP++ and PhyloP across 100 vertebrates. For these reasons, this variant has been classified as Uncertain Significance.

NM_001242896.3(DEPDC5):c.2533C>T (p.Arg845Cys)

Gene: DEPDC5 (DEP domain containing 5, GATOR1 subcomplex subunit; plus strand). Cytogenetic location: 22q12.3.
Variant type: single nucleotide variant.
Coding change: c.2533C>T on transcript NM_001242896.3 (MANE Select); coding-DNA position 2533, C replaced by T.
Protein change: p.Arg845Cys; replaces arginine 845 with cysteine.
Molecular consequence: missense variant. On other transcripts: non-coding transcript variant (5).
Genome position (GRCh38, 1-based): chr22:31,843,112, C>T. VCF-style: chr22-31843112-C-T. GRCh37 (hg19) VCF-style: chr22-32239098-C-T.
Other names: c.2506C>T, p.Arg836Cys (NM_001136029.4, NM_001369903.1, NM_014662.6); c.2299C>T, p.Arg767Cys (NM_001242897.2, NM_001363854.2, NM_001364319.2); c.2533C>T, p.Arg845Cys (NM_001363852.2, NM_001364318.2, NM_001364320.2); c.2449C>T, p.Arg817Cys (NM_001369901.1, NM_001369902.1); short protein forms R845C, R767C, R836C, R817C.
Identifiers: ClinVar variation 1357298 (VCV001357298.8), dbSNP rs780652126, ClinGen allele CA10196744.
Genomic context (GRCh38, chr22:31,843,112, plus strand): 5'-ATGAGCTTCAAACAGATGGAGGAAATTATTATTTTTCTGTTAGGCCTTGTGTCCCGAAAC[C>T]GCCCTGAGGAGGAGGACCAGTATTGGCTGAGTATGGGCAGAACGTTCCACAAAGTGACGC-3'
Protein context (NP_001229825.1, residues 835-855): LYSRGLVSRN[Arg845Cys]PEEEDQYWLS